The following is an entry in ClinVar:

ClinVar aggregate classification (germline): Uncertain significance (1 of 4 stars; one submission).

Submission:

GeneDx
Classification: Uncertain significance. Last evaluated: 2025-04-17. Review status: criteria provided, single submitter. Criteria: GeneDx Variant Classification Process June 2021. Collection method: clinical testing. Allele origin: germline. Affected: yes.
Comment: Not observed at significant frequency in large population cohorts (gnomAD); In silico analysis supports that this missense variant has a deleterious effect on protein structure/function; Has not been previously published as pathogenic or benign to our knowledge

NM_001194.4(HCN2):c.893C>A (p.Ser298Tyr)

Genes: HCN2 (hyperpolarization activated cyclic nucleotide gated potassium and sodium channel 2; plus strand), LOC129391015 (MPRA-validated peak3211 silencer; plus strand). Cytogenetic location: 19p13.3.
Variant type: single nucleotide variant.
Coding change: c.893C>A on transcript NM_001194.4 (MANE Select); coding-DNA position 893, C replaced by A.
Protein change: p.Ser298Tyr; replaces serine 298 with tyrosine.
Molecular consequence: missense variant.
Genome position (GRCh38, 1-based): chr19:603,804, C>A. VCF-style: chr19-603804-C-A. GRCh37 (hg19) VCF-style: chr19-603804-C-A.
Other names: short protein forms S298Y.
Identifiers: ClinVar variation 4282177 (VCV004282177.1).